The following is an entry in ClinVar:

ClinVar aggregate classification (germline): Uncertain significance (1 of 4 stars; one submission).

Conditions:
Inborn genetic diseases. Identifiers: MedGen C0950123, MeSH D030342.

gnomAD v4.1: 1 of 1,613,546 alleles (0.000062%); highest among the groups gnomAD compares: South Asian, 0.0011%; no homozygotes.

Submission:

Ambry Genetics
Classification: Uncertain significance for Inborn genetic diseases. Last evaluated: 2025-02-26. Review status: criteria provided, single submitter. Criteria: Ambry Variant Classification Scheme 2023. Collection method: clinical testing. Allele origin: germline.
Comment: The p.Q423R variant (also known as c.1268A>G), located in coding exon 6 of the SH2B3 gene, results from an A to G substitution at nucleotide position 1268. The glutamine at codon 423 is replaced by arginine, an amino acid with highly similar properties. This amino acid position is conserved. In addition, the in silico prediction for this alteration is inconclusive. Based on the available evidence, the clinical significance of this variant remains unclear.

NM_005475.3(SH2B3):c.1268A>G (p.Gln423Arg)

Gene: SH2B3 (SH2B adaptor protein 3; plus strand). Cytogenetic location: 12q24.12.
Variant type: single nucleotide variant.
Coding change: c.1268A>G on transcript NM_005475.3 (MANE Select); coding-DNA position 1268, A replaced by G.
Protein change: p.Gln423Arg; replaces glutamine 423 with arginine.
Molecular consequence: missense variant.
Genome position (GRCh38, 1-based): chr12:111,447,687, A>G. VCF-style: chr12-111447687-A-G. GRCh37 (hg19) VCF-style: chr12-111885491-A-G.
Other names: c.662A>G, p.Gln221Arg (NM_001291424.1); short protein forms Q221R, Q423R.
Identifiers: ClinVar variation 3795221 (VCV003795221.1).
Genomic context (GRCh38, chr12:111,447,687, plus strand): 5'-CCCGAGCCCACCATCCTCTCCTCCCACAGCACCTGCGCCTGTCGCTGACAGAGCGGGGCC[A>G]GTGCCGTGTGCAGCACCTCCACTTTCCCTCGGTCGTGGACATGCTCCACCACTTCCAGCG-3'
Protein context (NP_005466.1, residues 413-433): HLRLSLTERG[Gln423Arg]CRVQHLHFPS